The following is an entry in ClinVar:

ClinVar aggregate classification (germline): Uncertain significance (1 of 4 stars; one submission).

Conditions:
Candidiasis, familial, 9 (CANDF9). Identifiers: Orphanet 1334, MedGen C4225324, MONDO:0014642, OMIM 616445.

Submission:

Labcorp Genetics (formerly Invitae), Labcorp
Classification: Uncertain significance for Candidiasis, familial, 9. Last evaluated: 2019-07-19. Review status: criteria provided, single submitter. Criteria: Invitae Variant Classification Sherloc (09022015). Collection method: clinical testing. Allele origin: germline.
Comment: This sequence change replaces lysine with glutamic acid at codon 105 of the IL17RC protein (p.Lys105Glu). The lysine residue is weakly conserved and there is a small physicochemical difference between lysine and glutamic acid. This variant is not present in population databases (ExAC no frequency). This variant has not been reported in the literature in individuals with IL17RC-related conditions. Algorithms developed to predict the effect of missense changes on protein structure and function output the following: SIFT: "Tolerated"; PolyPhen-2: "Benign"; Align-GVGD: "Class C0". The glutamic acid amino acid residue is found in multiple mammalian species, suggesting that this missense change does not adversely affect protein function. These predictions have not been confirmed by published functional studies and their clinical significance is uncertain. In summary, the available evidence is currently insufficient to determine the role of this variant in disease. Therefore, it has been classified as a Variant of Uncertain Significance.

NM_153460.4(IL17RC):c.106-85A>G

Gene: IL17RC (interleukin 17 receptor C; plus strand). Cytogenetic location: 3p25.3.
Variant type: single nucleotide variant.
Coding change: c.106-85A>G on transcript NM_153460.4 (MANE Select); 85 bases into the intron before coding-DNA position 106, A replaced by G.
Molecular consequence: intron variant. On other transcripts: missense variant (1).
Genome position (GRCh38, 1-based): chr3:9,917,628, A>G. VCF-style: chr3-9917628-A-G. GRCh37 (hg19) VCF-style: chr3-9959312-A-G.
Other names: c.313A>G, p.Lys105Glu (NM_153461.4); c.106-85A>G (NM_001203263.2, NM_001203264.2, NM_001367278.1 and 4 more transcripts); short protein forms K105E.
Identifiers: ClinVar variation 955964 (VCV000955964.6), dbSNP rs772360458, ClinGen allele CA351754348.